The following is an entry in ClinVar:

NM_002016.2(FLG):c.10350C>T (p.Tyr3450=)

Genes: CCDST (cervical cancer associated DHX9 suppressive transcript; plus strand), FLG (filaggrin; minus strand). Cytogenetic location: 1q21.3.
Variant type: single nucleotide variant.
Coding change: c.10350C>T on transcript NM_002016.2 (MANE Select); coding-DNA position 10350, C replaced by T.
Protein change: p.Tyr3450=; no amino-acid change (tyrosine 3450 retained).
Molecular consequence: synonymous variant.
Genome position (GRCh38, 1-based): chr1:152,304,536, G>A on the plus strand (C>T on the coding strand, the complement: FLG is on the minus strand). VCF-style: chr1-152304536-G-A. GRCh37 (hg19) VCF-style: chr1-152277012-G-A.
Identifiers: ClinVar variation 2639234 (VCV002639234.24), dbSNP rs751349850, ClinGen allele CA1103395.

ClinVar aggregate classification (germline): Likely benign (1 of 4 stars; one submission).

gnomAD v4.1: 121 of 1,611,708 alleles (0.0075%); highest among the groups gnomAD compares: Middle Eastern, 0.016%; 2 homozygotes.

Submission:

CeGaT Center for Human Genetics Tuebingen
Classification: Likely benign. Last evaluated: 2022-07-01. Review status: criteria provided, single submitter. Criteria: CeGaT Center For Human Genetics Tuebingen Variant Classification Criteria Version 2. Collection method: clinical testing. Allele origin: germline. Affected: yes. Observed: 1 variant allele.
Comment: FLG: BP4, BP7